The following is an entry in ClinVar:

NM_001035.3(RYR2):c.12980T>C (p.Val4327Ala)

Genes: RYR2 (ryanodine receptor 2; plus strand), LOC126806068 (BRD4-independent group 4 enhancer GRCh37_chr1:237947411-237948610; plus strand). Cytogenetic location: 1q43.
Variant type: single nucleotide variant.
Coding change: c.12980T>C on transcript NM_001035.3 (MANE Select); coding-DNA position 12980, T replaced by C.
Protein change: p.Val4327Ala; replaces valine 4327 with alanine.
Molecular consequence: missense variant.
Genome position (GRCh38, 1-based): chr1:237,784,692, T>C. VCF-style: chr1-237784692-T-C. GRCh37 (hg19) VCF-style: chr1-237947992-T-C.
Other names: short protein forms V4327A.
Identifiers: ClinVar variation 2587830 (VCV002587830.6), dbSNP rs1023448664, ClinGen allele CA39828109.
Genomic context (GRCh38, chr1:237,784,692, plus strand): 5'-GCATCATTTGCAGCCTGCTGCTTGGGGGAAGCCTCGTCGAAGGTGCTAAAAAGATCAAAG[T>C]TGCAGAACTGTTAGCCAACATGCCAGACCCCACTCAGGATGAGGTTAGAGGAGATGGGGA-3'
Protein context (NP_001026.2, residues 4317-4337): SLVEGAKKIK[Val4327Ala]AELLANMPDP

ClinVar aggregate classification (germline): Uncertain significance. Review status: criteria provided, multiple submitters, no conflicts (2 of 4 stars). 4 submissions from 4 submitters: Uncertain significance (4). Last evaluated 2025-07-28.

Conditions:
Cardiovascular phenotype. Identifiers: MedGen CN230736.
Catecholaminergic polymorphic ventricular tachycardia (CVPT). Also called: Catecholamine-induced polymorphic ventricular tachycardia. Identifiers: Orphanet 3286, MedGen C5574922, MONDO:0017990.
Catecholaminergic polymorphic ventricular tachycardia 1. Also called: VENTRICULAR TACHYCARDIA, STRESS-INDUCED POLYMORPHIC 1; RYR2-Related Catecholaminergic Polymorphic Ventricular Tachycardia; VENTRICULAR TACHYCARDIA, CATECHOLAMINERGIC POLYMORPHIC, 1, WITH OR WITHOUT ATRIAL DYSFUNCTION AND/OR DILATED CARDIOMYOPATHY. Identifiers: Orphanet 3286, MedGen C1631597, MONDO:0011484, OMIM 604772.
Cardiomyopathy (CMYO). Also called: Cardiomyopathies. Identifiers: Orphanet 167848, MedGen C0878544, MONDO:0004994, HP:0001638. Inheritance: Various modes of inheritance.

Submissions (4):

Color Diagnostics, LLC DBA Color Health
Classification: Uncertain significance for Cardiomyopathy. Last evaluated: 2025-07-28. Review status: criteria provided, single submitter. Criteria: ACMG Guidelines, 2015. Collection method: clinical testing. Allele origin: germline.
Comment: This missense variant replaces valine with alanine at codon 4327 of the RYR2 protein. Computational prediction suggests that this variant may have deleterious impact on protein structure and function. To our knowledge, functional studies have not been reported for this variant. This variant has not been reported in individuals affected with RYR2-related disorders in the literature. This variant has not been identified in the general population by the Genome Aggregation Database (gnomAD). The available evidence is insufficient to determine the role of this variant in disease conclusively. Therefore, this variant is classified as a Variant of Uncertain Significance.

All of Us Research Program, National Institutes of Health
Classification: Uncertain significance for Catecholaminergic polymorphic ventricular tachycardia. Last evaluated: 2024-06-11. Review status: criteria provided, single submitter. Criteria: ACMG Guidelines, 2015. Collection method: clinical testing. Allele origin: germline. Inheritance: Autosomal dominant inheritance. Observed: 4 variant alleles, 4 heterozygotes.
Comment: This missense variant replaces valine with alanine at codon 4327 of the RYR2 protein. Computational prediction suggests that this variant may have deleterious impact on protein structure and function (internally defined REVEL score threshold >= 0.7, PMID: 27666373). To our knowledge, functional studies have not been reported for this variant. This variant has not been reported in individuals affected with RYR2-related disorders in the literature. This variant has not been identified in the general population by the Genome Aggregation Database (gnomAD). The available evidence is insufficient to determine the role of this variant in disease conclusively. Therefore, this variant is classified as a Variant of Uncertain Significance.

This study involves interpretation of variants in research participants for the purpose of population health screening. Participant phenotype was not available at the time of variant classification. Additional details can be found in publication PMID: 35346344, PMCID: PMC8962531

Labcorp Genetics (formerly Invitae), Labcorp
Classification: Uncertain significance for Catecholaminergic polymorphic ventricular tachycardia 1. Last evaluated: 2024-01-04. Review status: criteria provided, single submitter. Criteria: Invitae Variant Classification Sherloc (09022015). Collection method: clinical testing. Allele origin: germline.
Comment: This sequence change replaces valine, which is neutral and non-polar, with alanine, which is neutral and non-polar, at codon 4327 of the RYR2 protein (p.Val4327Ala). This variant is not present in population databases (gnomAD no frequency). This variant has not been reported in the literature in individuals affected with RYR2-related conditions. ClinVar contains an entry for this variant (Variation ID: 2587830). Advanced modeling of protein sequence and biophysical properties (such as structural, functional, and spatial information, amino acid conservation, physicochemical variation, residue mobility, and thermodynamic stability) performed at Invitae indicates that this missense variant is expected to disrupt RYR2 protein function with a positive predictive value of 95%. In summary, the available evidence is currently insufficient to determine the role of this variant in disease. Therefore, it has been classified as a Variant of Uncertain Significance.

Ambry Genetics
Classification: Uncertain significance for Cardiovascular phenotype. Last evaluated: 2023-08-16. Review status: criteria provided, single submitter. Criteria: Ambry Variant Classification Scheme 2023. Collection method: clinical testing. Allele origin: germline.
Comment: The p.V4327A variant (also known as c.12980T>C), located in coding exon 90 of the RYR2 gene, results from a T to C substitution at nucleotide position 12980. The valine at codon 4327 is replaced by alanine, an amino acid with similar properties. This amino acid position is highly conserved in available vertebrate species. In addition, the in silico prediction for this alteration is inconclusive. Since supporting evidence is limited at this time, the clinical significance of this alteration remains unclear.